The following is an entry in ClinVar:

ClinVar aggregate classification (germline): Uncertain significance. Review status: criteria provided, multiple submitters, no conflicts (2 of 4 stars). 2 submissions from 2 submitters: Uncertain significance (2). Last evaluated 2026-02-12.

Allele frequency attached by ClinVar (database versions not stated): ExAC 0.00001; gnomAD exomes 0.00001; TOPMed 0.00001; gnomAD 0.00003.
gnomAD v4.1: 24 of 1,613,972 alleles (0.0015%); highest among the groups gnomAD compares: South Asian, 0.011%; 1 homozygote.

Submissions (2):

GeneDx
Classification: Uncertain significance. Last evaluated: 2026-02-12. Review status: criteria provided, single submitter. Criteria: GeneDx Variant Classification Process June 2021. Collection method: clinical testing. Allele origin: germline.
Comment: In silico analysis suggests that this missense variant does not alter protein structure/function; Has not been previously published as pathogenic or benign to our knowledge

Ambry Genetics
Classification: Uncertain significance. Last evaluated: 2025-02-26. Review status: criteria provided, single submitter. Criteria: Ambry Variant Classification Scheme 2023. Collection method: clinical testing. Allele origin: germline.

NM_001353694.2(TIAM1):c.746C>T (p.Pro249Leu)

Gene: TIAM1 (TIAM Rac1 associated GEF 1; minus strand). Cytogenetic location: 21q22.11.
Variant type: single nucleotide variant.
Coding change: c.746C>T on transcript NM_001353694.2 (MANE Select); coding-DNA position 746, C replaced by T.
Protein change: p.Pro249Leu; replaces proline 249 with leucine.
Molecular consequence: missense variant.
Genome position (GRCh38, 1-based): chr21:31,266,227, G>A on the plus strand (C>T on the coding strand, the complement: TIAM1 is on the minus strand). VCF-style: chr21-31266227-G-A. GRCh37 (hg19) VCF-style: chr21-32638543-G-A.
Other names: c.746C>T, p.Pro249Leu (NM_001353686.2, NM_001353687.2, NM_001353688.1 and 6 more transcripts); short protein forms P249L.
Identifiers: ClinVar variation 2470710 (VCV002470710.4), dbSNP rs766191686, ClinGen allele CA9998598.